The following is an entry in ClinVar:

NM_001267550.2(TTN):c.107578C>T (p.Gln35860Ter)

Genes: TTN (titin; minus strand), TTN-AS1 (TTN antisense RNA 1; plus strand). Cytogenetic location: 2q31.2.
Variant type: single nucleotide variant.
Coding change: c.107578C>T on transcript NM_001267550.2 (MANE Select); coding-DNA position 107578, C replaced by T.
Protein change: p.Gln35860Ter; replaces glutamine 35860 with a stop codon.
Molecular consequence: nonsense.
Genome position (GRCh38, 1-based): chr2:178,527,548, G>A on the plus strand (C>T on the coding strand, the complement: TTN is on the minus strand). VCF-style: chr2-178527548-G-A. GRCh37 (hg19) VCF-style: chr2-179392275-G-A.
Other names: c.107578C>T (NM_001267550.1); c.102655C>T, p.Gln34219Ter (NM_001256850.1); c.80383C>T, p.Gln26795Ter (NM_003319.4); c.99874C>T, p.Gln33292Ter (NM_133378.4); c.80758C>T, p.Gln26920Ter (NM_133432.3); c.80959C>T, p.Gln26987Ter (NM_133437.4); short protein forms Q26795*, Q35860*, Q33292*, Q26987*, Q34219*, Q26920*.
Identifiers: ClinVar variation 518510 (VCV000518510.19), dbSNP rs1009131948, ClinGen allele CA60949220.

ClinVar aggregate classification (germline): Pathogenic/Likely pathogenic. Review status: criteria provided, multiple submitters, no conflicts (2 of 4 stars). 6 submissions from 6 submitters: Pathogenic (5); Likely pathogenic (1). Last evaluated 2025-09-29.

Conditions:
Cardiovascular phenotype. Identifiers: MedGen CN230736.
Autosomal recessive limb-girdle muscular dystrophy type 2J (LGMDR10). Also called: MUSCULAR DYSTROPHY, LIMB-GIRDLE, AUTOSOMAL RECESSIVE 10; Limb-girdle muscular dystrophy, type 2J. Identifiers: Orphanet 140922, MedGen C1837342, MONDO:0012127, OMIM 608807.
Dilated cardiomyopathy 1G (CMD1G). Identifiers: Orphanet 154, MedGen C1858763, MONDO:0011400, OMIM 604145.
Hypertrophic cardiomyopathy 9. Also called: Familial hypertrophic cardiomyopathy 9. Identifiers: MedGen C1861065, MONDO:0013412, OMIM 613765.
Tibial muscular dystrophy (TMD). Also called: Udd Distal Myopathy – Tibial Muscular Dystrophy; Tibial muscular dystrophy, tardive; UDD MYOPATHY. Identifiers: Orphanet 609, MedGen C1838244, MONDO:0010870, OMIM 600334.
Early-onset myopathy with fatal cardiomyopathy (CMYO5). Also called: Salih Myopathy; CONGENITAL MYOPATHY 5 WITH CARDIOMYOPATHY. Identifiers: Orphanet 289377, MedGen C2673677, MONDO:0012714, OMIM 611705. Disease mechanism: loss of function.
Myopathy, myofibrillar, 9, with early respiratory failure (MFM9). Also called: MYOPATHY, PROXIMAL, WITH EARLY RESPIRATORY MUSCLE INVOLVEMENT; Myopathy, distal, with early respiratory failure, autosomal dominant; Hereditary myopathy with early respiratory failure; EDSTROM MYOPATHY. Identifiers: Orphanet 178464, Orphanet 34521, MedGen C1863599, MONDO:0011362, OMIM 603689.

Allele frequency attached by ClinVar (database versions not stated): gnomAD 0.00001; gnomAD exomes 0.00001; TOPMed 0.00001.
gnomAD v4.1: 10 of 1,613,864 alleles (0.00062%); highest among the groups gnomAD compares: Admixed American, 0.0033%; no homozygotes.

Submissions (6):

Variantyx, Inc.
Classification: Pathogenic for Dilated cardiomyopathy 1G. Last evaluated: 2025-09-29. Review status: criteria provided, single submitter. Criteria: Variantyx Assertion Criteria 2022. Collection method: clinical testing. Allele origin: germline. Inheritance: Autosomal dominant inheritance. Affected: yes.
Comment: This is a nonsense variant in the TTN gene (OMIM: 188840). Pathogenic variants in this gene have been associated with autosomal dominant dilated cardiomyopathy 1G. This variant introduces a premature termination codon in exon 362 out of 363, and localizes to the M-band region of titin (PSI=99%). It is expected to result in loss of function, with loss of function variants in constitutively expressed exons (PSI>90%) are significantly associated with DCM regardless of their position in titin (PMID: 27869827, 32964742, 27869827) (PVS1). This variant has been reported in at least one affected individual (PMID: 31737537) (PS4). It has a 0.0034% maximum allele frequency in non-founder control populations (PM2). Based on the current evidence, this variant is classified as pathogenic for autosomal dominant dilated cardiomyopathy 1G.

GeneDx
Classification: Pathogenic. Last evaluated: 2025-08-14. Review status: criteria provided, single submitter. Criteria: GeneDx Variant Classification Process June 2021. Collection method: clinical testing. Allele origin: germline. Affected: yes.
Comment: Nonsense variant predicted to result in protein truncation or nonsense mediated decay in a gene for which loss of function is a known mechanism of disease; Located in the M-band, a region of TTN for which truncating variants are significantly associated with autosomal recessive skeletal myopathies and also with autosomal dominant cardiomyopathy (PMID: 17444505, 32778822, 36637017); Not observed at significant frequency in large population cohorts (gnomAD); This variant is associated with the following publications: (PMID: 22335739, 24503780, 31737537, 34135346, 34495297, 30535219, 31407473, 17444505, 32778822, 36637017, 38438525, 40267405)

Labcorp Genetics (formerly Invitae), Labcorp
Classification: Pathogenic for Dilated cardiomyopathy 1G; Autosomal recessive limb-girdle muscular dystrophy type 2J. Last evaluated: 2025-07-22. Review status: criteria provided, single submitter. Criteria: Invitae Variant Classification Sherloc (09022015). Collection method: clinical testing. Allele origin: germline.
Comment: This sequence change creates a premature translational stop signal (p.Gln35860*) in the TTN gene. While this is not anticipated to result in nonsense mediated decay, it is expected to create a truncated TTN protein. This variant is present in population databases (no rsID available, gnomAD 0.003%). This premature translational stop signal has been observed in individual(s) with clinical features of autosomal recessive limb-girdle muscular dystrophy (PMID: 31407473; internal data). In at least one individual the data is consistent with being in trans (on the opposite chromosome) from a pathogenic variant. This variant has been reported in individual(s) with autosomal dominant dilated cardiomyopathy and/or early-onset atrial fibrillation (PMID: 30535219, 31737537; internal data); however, the role of the variant in this condition is currently unclear. ClinVar contains an entry for this variant (Variation ID: 518510). Algorithms developed to predict the effect of sequence changes on RNA splicing suggest that this variant may disrupt the consensus splice site. This variant is located in the M band of TTN (PMID: 25589632). Truncating variants in this region have been previously reported in individuals affected with autosomal dominant or autosomal recessive myopathy and muscular dystrophy (PMID: 18948003, 23975875, 24395473). Truncating variants in this region have also been identified in individuals affected with autosomal dominant dilated cardiomyopathy and/or cardio-related conditions (PMID: 27869827, 32964742, internal data). For these reasons, this variant has been classified as Pathogenic.

Ambry Genetics
Classification: Likely pathogenic for Cardiovascular phenotype. Last evaluated: 2025-03-24. Review status: criteria provided, single submitter. Criteria: Ambry Variant Classification Scheme 2023. Collection method: clinical testing. Allele origin: germline.
Comment: The p.Q26795* variant (also known as c.80383C>T), located in coding exon 189 of the TTN gene, results from a C to T substitution at nucleotide position 80383. This changes the amino acid from a glutamine to a stop codon within coding exon 189. This exon is located in the M-band region of the N2-B isoform of the titin protein and is constitutively expressed in TTN transcripts (percent spliced in or PSI 99%). This alteration (reported as NM_001267550.2 c.107578C>T p.Q35860*) has been identified in two individuals in an early onset atrial fibrillation cohort (Choi SH et al. JAMA, 2018 12;320:2354-2364). This alteration is expected to result in loss of function by premature protein truncation or nonsense-mediated mRNA decay. While truncating variants in TTN are present in 1-3% of the general population, truncating variants in the M-band have been reported in association with autosomal recessive titinopathies, primarily presenting with skeletal myopathy phenotypes (Ceyhan-Birsoy O et al. Neurology. 2013 Oct 1;81(14):1205-14; De Cid R et al. Neurology. 2015;85(24):2126-35). In addition, regardless of their position, TTN truncating variants encoded in constitutive exons (PSI >90%) have been found to be significantly associated with dilated cardiomyopathy (DCM), though truncating variants in the A-band are the most common cause of DCM (Herman DS et al. N. Engl. J. Med., 2012 Feb;366:619-28; Roberts AM et al. Sci Transl Med, 2015 Jan;7:270ra6; Schafer S et al. Nat. Genet., 2017 01;49:46-53). Based on the majority of available evidence to date, this variant is likely to be pathogenic in association with autosomal recessive titinopathy; however, the clinical significance of this alteration with respect to cardiomyopathy remains unclear.

Fulgent Genetics
Classification: Pathogenic for Tibial muscular dystrophy; Myopathy, myofibrillar, 9, with early respiratory failure; Dilated cardiomyopathy 1G; Autosomal recessive limb-girdle muscular dystrophy type 2J; Early-onset myopathy with fatal cardiomyopathy; Hypertrophic cardiomyopathy 9. Last evaluated: 2021-09-15. Review status: criteria provided, single submitter. Criteria: ACMG Guidelines, 2015. Collection method: clinical testing. Allele origin: unknown.

Broad Center for Mendelian Genomics, Broad Institute of MIT and Harvard
Classification: Pathogenic for Autosomal recessive limb-girdle muscular dystrophy type 2J. Last evaluated: 2018-12-03. Review status: criteria provided, single submitter. Criteria: ACMG Guidelines, 2015. Collection method: research. Allele origin: germline. Inheritance: Autosomal recessive inheritance. Affected: yes.
Comment: The presence of this variant in combination with a pathogenic variant and in an individual with limb-girdle muscular dystrophy (LGMD) increases the likelihood that the p.Gln35860Ter variant is pathogenic. This variant has been identified in 0.001083% (3/276994) of chromosomes in the Genome Aggregation Database (gnomAD). Although this variant has been seen in the general population, its frequency is low enough to be consistent with a recessive carrier frequency. This nonsense variant leads to a premature termination codon at position 35860, which is predicted to lead to a truncated or absent protein. Loss of function of the TTN gene is an established disease mechanism in autosomal recessive LGMD. In summary, this variant meets criteria to be classified as pathogenic for LGMD in an autosomal recessive manner based on the predicted impact of the variant and the presence of a pathogenic variant in an individual with limb-girdle muscular dystrophy (LGMD). ACMG/AMP Criteria applied: PM2, PVS1, PM3 (Richards 2015).

Literature cited by the submitters: PubMed 27869827 (cited by Variantyx, Inc. and Labcorp Genetics (formerly Invitae), Labcorp); PubMed 32964742 (cited by Variantyx, Inc. and Labcorp Genetics (formerly Invitae), Labcorp); PubMed 31737537 (cited by Variantyx, Inc. and Labcorp Genetics (formerly Invitae), Labcorp); PubMed 31407473 (cited by Labcorp Genetics (formerly Invitae), Labcorp); PubMed 30535219 (cited by Labcorp Genetics (formerly Invitae), Labcorp and Ambry Genetics); PubMed 25589632 (cited by Labcorp Genetics (formerly Invitae), Labcorp); PubMed 18948003 (cited by Labcorp Genetics (formerly Invitae), Labcorp); PubMed 23975875 (cited by Labcorp Genetics (formerly Invitae), Labcorp); PubMed 24395473 (cited by Labcorp Genetics (formerly Invitae), Labcorp); PubMed 22335739 (cited by Ambry Genetics); PubMed 24503780 (cited by Ambry Genetics); PubMed 34135346 (cited by Ambry Genetics).